The following is an entry in ClinVar:

NM_005612.5(REST):c.3110C>A (p.Pro1037Gln)

Gene: REST (RE1 silencing transcription factor; plus strand). Cytogenetic location: 4q12.
Variant type: single nucleotide variant.
Coding change: c.3110C>A on transcript NM_005612.5 (MANE Select); coding-DNA position 3110, C replaced by A.
Protein change: p.Pro1037Gln; replaces proline 1037 with glutamine.
Molecular consequence: missense variant.
Genome position (GRCh38, 1-based): chr4:56,931,968, C>A. VCF-style: chr4-56931968-C-A. GRCh37 (hg19) VCF-style: chr4-57798134-C-A.
Other names: c.3110C>A, p.Pro1037Gln (NM_001193508.2, NM_001363453.3); short protein forms P1037Q.
Identifiers: ClinVar variation 1413517 (VCV001413517.6), dbSNP rs1490774064, ClinGen allele CA357010229.
Genomic context (GRCh38, chr4:56,931,968, plus strand): 5'-GTGACCTAAGTGACAACATGTCAGAGGGTAGTGATGATTCTGGATTGCATGGGGCTCGGC[C>A]AGTTCCACAAGAATCTAGCAGAAAAAATGCAAAGGAAGCCTTGGCAGTCAAAGCGGCTAA-3'
Protein context (NP_005603.3, residues 1027-1047): SDDSGLHGAR[Pro1037Gln]VPQESSRKNA

ClinVar aggregate classification (germline): Uncertain significance (1 of 4 stars; one submission).

Submission:

Labcorp Genetics (formerly Invitae), Labcorp
Classification: Uncertain significance. Last evaluated: 2021-12-15. Review status: criteria provided, single submitter. Criteria: Invitae Variant Classification Sherloc (09022015). Collection method: clinical testing. Allele origin: germline.
Comment: In summary, the available evidence is currently insufficient to determine the role of this variant in disease. Therefore, it has been classified as a Variant of Uncertain Significance. Algorithms developed to predict the effect of missense changes on protein structure and function output the following: SIFT: "Deleterious"; PolyPhen-2: "Benign"; Align-GVGD: "Class C0". The glutamine amino acid residue is found in multiple mammalian species, which suggests that this missense change does not adversely affect protein function. This variant has not been reported in the literature in individuals affected with REST-related conditions. This variant is not present in population databases (gnomAD no frequency). This sequence change replaces proline, which is neutral and non-polar, with glutamine, which is neutral and polar, at codon 1037 of the REST protein (p.Pro1037Gln).